The following is an entry in ClinVar:

NM_002691.4(POLD1):c.154del (p.Glu52fs)

Gene: POLD1 (DNA polymerase delta 1, catalytic subunit; plus strand). Cytogenetic location: 19q13.33.
Variant type: Deletion.
Coding change: c.154del on transcript NM_002691.4 (MANE Select); coding-DNA position 154, one base deleted (G; older notation c.154delG).
Protein change: p.Glu52fs; shifts the reading frame from glutamic acid 52.
Molecular consequence: frameshift variant. On other transcripts: non-coding transcript variant (1).
Genome position (GRCh38, 1-based): chr19:50,399,005, G deleted; the last of 2 consecutive G bases (chr19:50,399,004-50,399,005); deleting either gives the same sequence. VCF-style (leftmost placement, unchanged base first): chr19-50399003-AG-A. GRCh37 (hg19) VCF-style: chr19-50902260-AG-A.
Other names: c.154del, p.Glu52fs (NM_001256849.1, NM_001308632.1, NM_001438210.1 and 3 more transcripts); short protein forms E52fs.
Identifiers: ClinVar variation 4709114 (VCV004709114.1).
Genomic context (GRCh38, chr19:50,399,003, plus strand): 5'-CATCCCAATTCGAGGAGGACCTGGCACTGATGGAGGAGATGGAGGCAGAACACAGGCTGC[AG>A]GAGCAGGAGGAGGAGGAGCTGCAGTCAGTCCTGGAGGGGGTTGCAGACGGTAAGGCTTGG-3'

ClinVar aggregate classification (germline): Uncertain significance (1 of 4 stars; one submission).

Conditions:
POLD1-related polyposis and colorectal cancer syndrome (CRCS10). Also called: COLORECTAL CANCER, SUSCEPTIBILITY TO, ON CHROMOSOME 19q; Colorectal cancer 10; Colorectal cancer, susceptibility to, 10. Identifiers: Orphanet 220460, MedGen C2675481, MONDO:0012953, OMIM 612591.

Submission:

Labcorp Genetics (formerly Invitae), Labcorp
Classification: Uncertain significance for POLD1-related polyposis and colorectal cancer syndrome. Last evaluated: 2025-11-23. Review status: criteria provided, single submitter. Criteria: Invitae Variant Classification Sherloc (09022015). Collection method: clinical testing. Allele origin: germline.
Comment: This sequence change creates a premature translational stop signal (p.Glu52Serfs*24) in the POLD1 gene. Missense variants that disrupt the 3'-5' exonuclease (proof-reading) activity of the POLD1 protein are associated with PPAP (polymerase proofreading–associated polyposis) (PMID: 23263490, 23447401). However, loss-of-function variants that result in an absent or severely disrupted POLD1 protein, and missense variants outside the exonuclease domain, are unlikely to be associated with PPAP. This variant is not present in population databases (gnomAD no frequency). This variant has not been reported in the literature in individuals affected with POLD1-related conditions. In summary, the available evidence is currently insufficient to determine the role of this variant in disease. Therefore, it has been classified as a Variant of Uncertain Significance.

Literature cited by the submitters: PubMed 23263490; PubMed 23447401.